The following is an entry in ClinVar:

ClinVar aggregate classification (germline): Uncertain significance (1 of 4 stars; one submission).

Conditions:
Developmental and epileptic encephalopathy, 53. Also called: Epileptic encephalopathy, early infantile, 53. Identifiers: MedGen C4479313, MONDO:0033362, OMIM 617389.
Early-onset Parkinson disease 20. Also called: PARKINSON DISEASE 20, AUTOSOMAL RECESSIVE EARLY-ONSET. Identifiers: Orphanet 391411, MedGen C3809824, MONDO:0014233, OMIM 615530.

Submission:

Labcorp Genetics (formerly Invitae), Labcorp
Classification: Uncertain significance for Developmental and epileptic encephalopathy, 53; Early-onset Parkinson disease 20. Last evaluated: 2021-12-28. Review status: criteria provided, single submitter. Criteria: Invitae Variant Classification Sherloc (09022015). Collection method: clinical testing. Allele origin: germline.
Comment: In summary, the available evidence is currently insufficient to determine the role of this variant in disease. Therefore, it has been classified as a Variant of Uncertain Significance. Algorithms developed to predict the effect of missense changes on protein structure and function output the following: SIFT: "Tolerated"; PolyPhen-2: "Benign"; Align-GVGD: "Class C0". The threonine amino acid residue is found in multiple mammalian species, which suggests that this missense change does not adversely affect protein function. This variant has not been reported in the literature in individuals affected with SYNJ1-related conditions. This variant is not present in population databases (gnomAD no frequency). This sequence change replaces alanine, which is neutral and non-polar, with threonine, which is neutral and polar, at codon 1284 of the SYNJ1 protein (p.Ala1284Thr).

NM_203446.3(SYNJ1):c.3733G>A (p.Ala1245Thr)

Gene: SYNJ1 (synaptojanin 1; minus strand). Cytogenetic location: 21q22.11.
Variant type: single nucleotide variant.
Coding change: c.3733G>A on transcript NM_203446.3 (MANE Select); coding-DNA position 3733, G replaced by A.
Protein change: p.Ala1245Thr; replaces alanine 1245 with threonine.
Molecular consequence: missense variant.
Genome position (GRCh38, 1-based): chr21:32,639,090, C>T on the plus strand (G>A on the coding strand, the complement: SYNJ1 is on the minus strand). VCF-style: chr21-32639090-C-T. GRCh37 (hg19) VCF-style: chr21-34011400-C-T.
Other names: c.3685G>A, p.Ala1229Thr (NM_001160302.2); c.3592G>A, p.Ala1198Thr (NM_001160306.2); c.3850G>A, p.Ala1284Thr (NM_003895.4); short protein forms A1245T, A1229T, A1284T, A1198T.
Identifiers: ClinVar variation 2038392 (VCV002038392.4), dbSNP rs2517357306, ClinGen allele CA410087291.
Genomic context (GRCh38, chr21:32,639,090, plus strand): 5'-CAAGAGGCTCTTGCAACCTTTGAGCAGGCGGGGGCAAAGAAGACTGCGGAGGAAAAGCAG[C>T]CTGAGGCTTCAGTGGTTCAGGAAGGAAAGTTGAACCTAAAAAACCAGTGGTTGTCAGATG-3'
Protein context (NP_982271.3, residues 1235-1255): TFLPEPLKPQ[Ala1245Thr]AFPPQSSLPP